The following is an entry in ClinVar:

ClinVar aggregate classification (germline): Uncertain significance (1 of 4 stars; one submission).

Submission:

Labcorp Genetics (formerly Invitae), Labcorp
Classification: Uncertain significance. Last evaluated: 2025-12-15. Review status: criteria provided, single submitter. Criteria: Invitae Variant Classification Sherloc (09022015). Collection method: clinical testing. Allele origin: germline.
Comment: This sequence change replaces methionine, which is neutral and non-polar, with valine, which is neutral and non-polar, at codon 643 of the TCIRG1 protein (p.Met643Val). This variant is not present in population databases (gnomAD no frequency). This variant has not been reported in the literature in individuals affected with TCIRG1-related conditions. Invitae Evidence Modeling of protein sequence and biophysical properties (such as structural, functional, and spatial information, amino acid conservation, physicochemical variation, residue mobility, and thermodynamic stability) indicates that this missense variant is not expected to disrupt TCIRG1 protein function with a negative predictive value of 80%. In summary, the available evidence is currently insufficient to determine the role of this variant in disease. Therefore, it has been classified as a Variant of Uncertain Significance.

NM_006019.4(TCIRG1):c.1927A>G (p.Met643Val)

Gene: TCIRG1 (T cell immune regulator 1, ATPase H+ transporting V0 subunit a3; plus strand). Cytogenetic location: 11q13.2.
Variant type: single nucleotide variant.
Coding change: c.1927A>G on transcript NM_006019.4 (MANE Select); coding-DNA position 1927, A replaced by G.
Protein change: p.Met643Val; replaces methionine 643 with valine.
Molecular consequence: missense variant.
Genome position (GRCh38, 1-based): chr11:68,049,702, A>G. VCF-style: chr11-68049702-A-G. GRCh37 (hg19) VCF-style: chr11-67817169-A-G.
Other names: c.1033A>G, p.Met345Val (NM_001351059.2); c.1927A>G, p.Met643Val (NM_001440552.1, NM_001440553.1, NM_001440554.1 and 2 more transcripts); c.1885A>G, p.Met629Val (NM_001440555.1, NM_001440556.1, NM_001440563.1); c.1714A>G, p.Met572Val (NM_001440559.1, NM_001440560.1, NM_001440561.1 and 2 more transcripts); c.1672A>G, p.Met558Val (NM_001440564.1); c.1627A>G, p.Met543Val (NM_001440565.1); c.1465A>G, p.Met489Val (NM_001440567.1); c.1459A>G, p.Met487Val (NM_001440568.1); and 2 more; short protein forms M323V, M345V, M427V, M487V, M489V, M543V, M558V, M572V.
Identifiers: ClinVar variation 4810794 (VCV004810794.1).